The following is an entry in ClinVar:

NM_018036.7(ATG2B):c.1881+5A>G

Gene: ATG2B (autophagy related 2B; minus strand). Cytogenetic location: 14q32.2.
Variant type: single nucleotide variant.
Coding change: c.1881+5A>G on transcript NM_018036.7 (MANE Select); 5 bases into the intron after coding-DNA position 1881, A replaced by G.
Molecular consequence: intron variant.
Genome position (GRCh38, 1-based): chr14:96,329,479, T>C on the plus strand (A>G on the coding strand, the complement: ATG2B is on the minus strand). VCF-style: chr14-96329479-T-C. GRCh37 (hg19) VCF-style: chr14-96795816-T-C.
Identifiers: ClinVar variation 3042931 (VCV003042931.2), dbSNP rs752898540, ClinGen allele CA7336619.
Genomic context (GRCh38, chr14:96,329,479, plus strand): 5'-TACAATCATTAAAAAGCAAGGTAGATTTAAAAAATAATCTTAAAGAAAAAGTATTCAATA[T>C]TTACCTCTGTATAGTGAGGAGGAACAGAATGAAAATCAGTTGGAAATAGGCACTCCAAAA-3'

ClinVar aggregate classification (germline): Likely benign (0 of 4 stars; one submission).

Conditions:
ATG2B-related disorder. Also called: ATG2B-related condition.

Allele frequency attached by ClinVar (database versions not stated): gnomAD 0.00001; TOPMed 0.00001; ExAC 0.00008.
gnomAD v4.1: 62 of 1,580,882 alleles (0.0039%); highest among the groups gnomAD compares: South Asian, 0.071%; 1 homozygote.

Submission:

PreventionGenetics, part of Exact Sciences
Classification: Likely benign for ATG2B-related condition. Last evaluated: 2019-06-27. Review status: no assertion criteria provided. Collection method: clinical testing. Allele origin: germline.
Comment: This variant is classified as likely benign based on ACMG/AMP sequence variant interpretation guidelines (Richards et al. 2015 PMID: 25741868, with internal and published modifications).